The following is an entry in ClinVar:

NM_001271696.3(ABCB7):c.1032+4A>T

Gene: ABCB7 (ATP binding cassette subfamily B member 7; minus strand). Cytogenetic location: Xq13.3.
Variant type: single nucleotide variant.
Coding change: c.1032+4A>T on transcript NM_001271696.3 (MANE Select); 4 bases into the intron after coding-DNA position 1032, A replaced by T.
Molecular consequence: intron variant.
Genome position (GRCh38, 1-based): chrX:75,073,685, T>A on the plus strand (A>T on the coding strand, the complement: ABCB7 is on the minus strand). VCF-style: chrX-75073685-T-A. GRCh37 (hg19) VCF-style: chrX-74293520-T-A.
Other names: c.954+4A>T (NM_001271698.3); c.912+4A>T (NM_001271697.3); c.915+4A>T (NM_001271699.3); c.1035+4A>T (NM_004299.6).
Identifiers: ClinVar variation 1307223 (VCV001307223.2), dbSNP rs2147468339, ClinGen allele CA2573055408.
Genomic context (GRCh38, chrX:75,073,685, plus strand): 5'-TAAATGGTAGATCAAATCTTAGTGCAGTGTGAAAGGCAGAGGAAAGTATAATTAAACATA[T>A]TACCTTCACAGTTTCATAATTCAGCAGTGAGTCTATAGCAGCATTACCTGCATCATTATC-3'

ClinVar aggregate classification (germline): Uncertain significance (1 of 4 stars; one submission).

Submission:

GeneDx
Classification: Uncertain significance. Last evaluated: 2019-08-11. Review status: criteria provided, single submitter. Criteria: GeneDx Variant Classification Process June 2021. Collection method: clinical testing. Allele origin: germline. Affected: yes.
Comment: Not observed in large population cohorts (Lek et al., 2016); In silico analysis, which includes splice predictors and evolutionary conservation, supports that this variant does not alter protein structure/function; Has not been previously published as pathogenic or benign to our knowledge